The following is an entry in ClinVar:

ClinVar aggregate classification (germline): Uncertain significance (1 of 4 stars; one submission).

Conditions:
Aortic aneurysm, familial thoracic 8 (AAT8). Identifiers: MedGen C3809513, MONDO:0014187, OMIM 615436.

gnomAD v4.1: 1 of 1,613,470 alleles (0.000062%); highest among the groups gnomAD compares: South Asian, 0.0011%; no homozygotes.

Submission:

Labcorp Genetics (formerly Invitae), Labcorp
Classification: Uncertain significance for Aortic aneurysm, familial thoracic 8. Last evaluated: 2025-10-02. Review status: criteria provided, single submitter. Criteria: Invitae Variant Classification Sherloc (09022015). Collection method: clinical testing. Allele origin: germline.
Comment: This sequence change replaces alanine, which is neutral and non-polar, with threonine, which is neutral and polar, at codon 365 of the PRKG1 protein (p.Ala365Thr). This variant is not present in population databases (gnomAD no frequency). This variant has not been reported in the literature in individuals affected with PRKG1-related conditions. An algorithm developed to predict the effect of missense changes on protein structure and function (PolyPhen-2) suggests that this variant is likely to be tolerated. In summary, the available evidence is currently insufficient to determine the role of this variant in disease. Therefore, it has been classified as a Variant of Uncertain Significance.

NM_006258.4(PRKG1):c.1093G>A (p.Ala365Thr)

Gene: PRKG1 (protein kinase cGMP-dependent 1; plus strand). Cytogenetic location: 10q21.1.
Variant type: single nucleotide variant.
Coding change: c.1093G>A on transcript NM_006258.4 (MANE Select); coding-DNA position 1093, G replaced by A.
Protein change: p.Ala365Thr; replaces alanine 365 with threonine.
Molecular consequence: missense variant. On other transcripts: 5 prime UTR variant (1).
Genome position (GRCh38, 1-based): chr10:52,251,586, G>A. VCF-style: chr10-52251586-G-A. GRCh37 (hg19) VCF-style: chr10-54011346-G-A.
Other names: c.1048G>A, p.Ala350Thr (NM_001098512.3); c.-117G>A (NM_001374781.1); short protein forms A350T, A365T.
Identifiers: ClinVar variation 4807053 (VCV004807053.1).